The following is an entry in ClinVar:

ClinVar aggregate classification (germline): Uncertain significance (1 of 4 stars; one submission).

Allele frequency attached by ClinVar (database versions not stated): gnomAD exomes below 0.00001; TOPMed below 0.00001.
gnomAD v4.1: 4 of 1,614,138 alleles (0.00025%); highest among the groups gnomAD compares: Non-Finnish European, 0.00034%; no homozygotes.

Submission:

GeneDx
Classification: Uncertain significance. Last evaluated: 2017-08-17. Review status: criteria provided, single submitter. Criteria: GeneDx Variant Classification (06012015). Collection method: clinical testing. Allele origin: germline. Affected: yes.
Comment: The Q397L variant has not been published as a pathogenic variant, nor has it been reported as a benign variant to our knowledge. The Q397L variant is not observed in large population cohorts (Lek et al., 2016; 1000 Genomes Consortium et al., 2015; Exome Variant Server). The Q397L variant is a non-conservative amino acid substitution, which is likely to impact secondary protein structure as these residues differ in polarity, charge, size and/or other properties. This substitution occurs at a position that is conserved in mammals. In silico analysis is inconsistent in its predictions as to whether or not the variant is damaging to the protein structure/function. In summary, based on the currently available information, it is unclear whether this variant is a pathogenic variant or a rare benign variant.

NM_006415.4(SPTLC1):c.1190A>T (p.Gln397Leu)

Gene: SPTLC1 (serine palmitoyltransferase long chain base subunit 1; minus strand). Cytogenetic location: 9q22.31.
Variant type: single nucleotide variant.
Coding change: c.1190A>T on transcript NM_006415.4 (MANE Select); coding-DNA position 1190, A replaced by T.
Protein change: p.Gln397Leu; replaces glutamine 397 with leucine.
Molecular consequence: missense variant.
Genome position (GRCh38, 1-based): chr9:92,038,312, T>A on the plus strand (A>T on the coding strand, the complement: SPTLC1 is on the minus strand). VCF-style: chr9-92038312-T-A. GRCh37 (hg19) VCF-style: chr9-94800594-T-A.
Other names: c.1190A>T (LRG_272t1); c.1190A>T, p.Gln397Leu (NM_001281303.2); c.824A>T, p.Gln275Leu (NM_001368272.1); c.725A>T, p.Gln242Leu (NM_001368273.1); short protein forms Q397L, Q242L, Q275L.
Identifiers: ClinVar variation 451083 (VCV000451083.2), dbSNP rs764880662, ClinGen allele CA195380580.